The following is an entry in ClinVar:

ClinVar aggregate classification (germline): Pathogenic (1 of 4 stars; one submission).

Conditions:
Familial adenomatous polyposis 1 (FAP1). Also called: POLYPOSIS, ADENOMATOUS INTESTINAL; FAMILIAL ADENOMATOUS POLYPOSIS 1, ATTENUATED. Identifiers: MedGen C2713442, MONDO:0021056, OMIM 175100. Disease mechanism: loss of function.

Submission:

Myriad Genetics, Inc.
Classification: Pathogenic for Familial adenomatous polyposis 1. Last evaluated: 2023-05-16. Review status: criteria provided, single submitter. Criteria: Myriad Autosomal Dominant, Autosomal Recessive and X-Linked Classification Criteria (2023). Collection method: clinical testing. Allele origin: unknown.
Comment: This variant is considered pathogenic. This variant creates a frameshift predicted to result in premature protein truncation.

NM_000038.6(APC):c.7191del (p.Ser2398fs)

Gene: APC (APC regulator of Wnt signaling pathway; plus strand). Cytogenetic location: 5q22.2.
Variant type: Deletion.
Coding change: c.7191del on transcript NM_000038.6 (MANE Select); coding-DNA position 7191, one base deleted (C; older notation c.7191delC).
Protein change: p.Ser2398fs; shifts the reading frame from serine 2398.
Molecular consequence: frameshift variant. On other transcripts: non-coding transcript variant (2).
Genome position (GRCh38, 1-based): chr5:112,842,785, C deleted; the last of 2 consecutive C bases (chr5:112,842,784-112,842,785); deleting either gives the same sequence. VCF-style (leftmost placement, unchanged base first): chr5-112842783-GC-G. GRCh37 (hg19) VCF-style: chr5-112178480-GC-G.
Other names: c.7191del, p.Ser2398fs (NM_001127510.3, NM_001354895.2, NM_001407450.1); c.7137del, p.Ser2380fs (NM_001127511.3); c.7245del, p.Ser2416fs (NM_001354896.2, NM_001407447.1, NM_001407448.1 and 1 more transcripts); c.7221del, p.Ser2408fs (NM_001354897.2); c.7116del, p.Ser2373fs (NM_001354898.2); c.7107del, p.Ser2370fs (NM_001354899.2); c.7068del, p.Ser2357fs (NM_001354900.2); c.7014del, p.Ser2339fs (NM_001354901.2, NM_001407453.1); and 11 more; short protein forms S2014fs, S2115fs, S2238fs, S2269fs, S2272fs, S2297fs, S2307fs, S2315fs.
Identifiers: ClinVar variation 2583259 (VCV002583259.2), dbSNP rs2533775514, ClinGen allele CA2582341622.
Genomic context (GRCh38, chr5:112,842,783, plus strand): 5'-AACCTTACCAAACAAACAGGTTTATCCAAGAATGCCAGTAGTATTCCAAGAAGTGAGTCT[GC>G]CTCCAAAGGACTAAATCAGATGAATAATGGTAATGGAGCCAATAAAAAGGTAGAACTTTC-3'